The following is an entry in ClinVar:

ClinVar aggregate classification (germline): Pathogenic (1 of 4 stars; one submission).

Conditions:
Joubert syndrome. Also called: CEREBELLOPARENCHYMAL DISORDER IV; JOUBERT-BOLTSHAUSER SYNDROME; Familial aplasia of the vermis. Identifiers: Orphanet 475, MedGen C5979921, MONDO:0018772.
Nephronophthisis. Also called: Juvenile Nephronophthisis. Identifiers: Orphanet 655, MedGen C0687120, MONDO:0019005, HP:0000090.
Meckel-Gruber syndrome. Also called: DYSENCEPHALIA SPLANCHNOCYSTICA; GRUBER SYNDROME; Dysencephalia splachnocystica. Identifiers: Orphanet 564, MedGen C0265215, MONDO:0018921.

Submission:

Labcorp Genetics (formerly Invitae), Labcorp
Classification: Pathogenic for Joubert syndrome; Meckel-Gruber syndrome; Nephronophthisis. Last evaluated: 2023-08-16. Review status: criteria provided, single submitter. Criteria: Invitae Variant Classification Sherloc (09022015). Collection method: clinical testing. Allele origin: germline.
Comment: This variant has not been reported in the literature in individuals affected with CEP290-related conditions. This variant is not present in population databases (gnomAD no frequency). This sequence change creates a premature translational stop signal (p.Leu1359Glnfs*10) in the CEP290 gene. It is expected to result in an absent or disrupted protein product. Loss-of-function variants in CEP290 are known to be pathogenic (PMID: 16909394, 17345604, 20690115). For these reasons, this variant has been classified as Pathogenic.

Literature cited by the submitters: PubMed 16909394; PubMed 17345604; PubMed 20690115.

NM_025114.4(CEP290):c.4076_4077del (p.Leu1359fs)

Gene: CEP290 (centrosomal protein 290; minus strand). Cytogenetic location: 12q21.32.
Variant type: Deletion.
Coding change: c.4076_4077del on transcript NM_025114.4 (MANE Select); coding-DNA positions 4076 to 4077, 2 bases deleted (TT; older notation c.4076_4077delTT).
Protein change: p.Leu1359fs; shifts the reading frame from leucine 1359.
Molecular consequence: frameshift variant.
Genome position (GRCh38, 1-based): chr12:88,087,897-88,087,898, AA deleted on the plus strand (TT on the coding strand, the reverse complement: CEP290 is on the minus strand). VCF-style (leftmost placement, unchanged base first): chr12-88087896-TAA-T. GRCh37 (hg19) VCF-style: chr12-88481673-TAA-T.
Other names: short protein forms L1359fs.
Identifiers: ClinVar variation 2948892 (VCV002948892.3), dbSNP rs2500065047, ClinGen allele CA2740092481.